The following is an entry in ClinVar:

NM_001378454.1(ALMS1):c.9113del (p.Pro3038fs)

Gene: ALMS1 (ALMS1 centrosome and basal body associated protein; plus strand). Cytogenetic location: 2p13.1.
Variant type: Deletion.
Coding change: c.9113del on transcript NM_001378454.1 (MANE Select); coding-DNA position 9113, one base deleted (C; older notation c.9113delC).
Protein change: p.Pro3038fs; shifts the reading frame from proline 3038.
Molecular consequence: frameshift variant.
Genome position (GRCh38, 1-based): chr2:73,491,072, C deleted; the last of 2 consecutive C bases (chr2:73,491,071-73,491,072); deleting either gives the same sequence. VCF-style (leftmost placement, unchanged base first): chr2-73491070-TC-T. GRCh37 (hg19) VCF-style: chr2-73718197-TC-T.
Other names: c.9116delC (NM_015120.4); c.9116del, p.Pro3039fs (NM_015120.4); short protein forms P3039fs, P3038fs.
Identifiers: ClinVar variation 438278 (VCV000438278.6), dbSNP rs1425609364, ClinGen allele CA534125539.

ClinVar aggregate classification (germline): Pathogenic. Review status: criteria provided, single submitter (1 of 4 stars). 2 submissions from 2 submitters: Pathogenic (1). 1 of the submissions does not count toward it. Last evaluated 2023-09-29.

Conditions:
Alstrom syndrome (ALMS). Identifiers: Orphanet 64, MedGen C0268425, MONDO:0008763, OMIM 203800.

Submissions (2):

Labcorp Genetics (formerly Invitae), Labcorp
Classification: Pathogenic for Alstrom syndrome. Last evaluated: 2023-09-29. Review status: criteria provided, single submitter. Criteria: Invitae Variant Classification Sherloc (09022015). Collection method: clinical testing. Allele origin: germline.
Comment: For these reasons, this variant has been classified as Pathogenic. ClinVar contains an entry for this variant (Variation ID: 438278). This variant has not been reported in the literature in individuals affected with ALMS1-related conditions. This variant is present in population databases (no rsID available, gnomAD 0.007%). This sequence change creates a premature translational stop signal (p.Pro3039Leufs*12) in the ALMS1 gene. It is expected to result in an absent or disrupted protein product. Loss-of-function variants in ALMS1 are known to be pathogenic (PMID: 17594715).

Molecular Genetics Laboratory, BC Children's and BC Women's Hospitals
Classification: Pathogenic for Alstrom syndrome. Last evaluated: 2016-12-21. Review status: no assertion criteria provided. Criteria: ACMG Guidelines, 2015. Collection method: clinical testing. Allele origin: germline. Affected: yes. Not counted in ClinVar's aggregate classification.

Literature cited by the submitters: PubMed 17594715 (cited by Labcorp Genetics (formerly Invitae), Labcorp).